The following is an entry in ClinVar:

ClinVar aggregate classification (germline): Uncertain significance (1 of 4 stars; one submission).

Conditions:
Hereditary cancer-predisposing syndrome. Also called: Hereditary neoplastic syndrome; Neoplastic Syndromes, Hereditary; Tumor predisposition; Hereditary Cancer Syndrome. Identifiers: Orphanet 140162, MedGen C0027672, MeSH D009386, MONDO:0015356.

Submission:

Ambry Genetics
Classification: Uncertain significance for Hereditary cancer-predisposing syndrome. Last evaluated: 2025-08-01. Review status: criteria provided, single submitter. Criteria: Ambry Variant Classification Scheme 2023. Collection method: clinical testing. Allele origin: germline.
Comment: The p.V609L variant (also known as c.1825G>T), located in coding exon 11 of the PMS2 gene, results from a G to T substitution at nucleotide position 1825. The valine at codon 609 is replaced by leucine, an amino acid with highly similar properties. This amino acid position is conserved. In addition, this alteration is predicted to be tolerated by in silico analysis. Based on the available evidence, the clinical significance of this variant remains unclear.

NM_000535.7(PMS2):c.1825G>T (p.Val609Leu)

Gene: PMS2 (PMS1 homolog 2, mismatch repair system component; minus strand). Cytogenetic location: 7p22.1.
Variant type: single nucleotide variant.
Coding change: c.1825G>T on transcript NM_000535.7 (MANE Select); coding-DNA position 1825, G replaced by T.
Protein change: p.Val609Leu; replaces valine 609 with leucine.
Molecular consequence: missense variant. On other transcripts: non-coding transcript variant (1), intron variant (1).
Genome position (GRCh38, 1-based): chr7:5,986,940, C>A on the plus strand (G>T on the coding strand, the complement: PMS2 is on the minus strand). VCF-style: chr7-5986940-C-A. GRCh37 (hg19) VCF-style: chr7-6026571-C-A.
Other names: c.1420G>T, p.Val474Leu (NM_001406889.1, NM_001406890.1, NM_001406891.1 and 16 more transcripts); c.1252G>T, p.Val418Leu (NM_001406909.1, NM_001322013.2); c.1054G>T, p.Val352Leu (NM_001406911.1); c.804-3949G>T (NM_001406912.1); c.1669G>T, p.Val557Leu (NM_001406870.1, NM_001322006.2); c.1825G>T, p.Val609Leu (NM_001406871.1, NM_001406872.1, NM_001322014.2); c.1627G>T, p.Val543Leu (NM_001406873.1); c.1657G>T, p.Val553Leu (NM_001406874.1); and 13 more; short protein forms V298L, V418L, V422L, V454L, V474L, V487L, V573L, V451L.
Identifiers: ClinVar variation 4140507 (VCV004140507.1).
Genomic context (GRCh38, chr7:5,986,940, plus strand): 5'-TTCGTTTAGCTAAAGAACTCATAGAAAAGTCCAGGGGCACAACTTTCTTATTAATTTTCA[C>A]AGCTACATCAACCTGAGAGGCTGACATGTCCTGAGTATTTACTAACTTTTGACAAATGTC-3'
Protein context (NP_000526.2, residues 599-619): DMSASQVDVA[Val609Leu]KINKKVVPLD